The following is an entry in ClinVar:

NM_003632.3(CNTNAP1):c.2773C>T (p.Arg925Cys)

Gene: CNTNAP1 (contactin associated protein 1; plus strand). Cytogenetic location: 17q21.2.
Variant type: single nucleotide variant.
Coding change: c.2773C>T on transcript NM_003632.3 (MANE Select); coding-DNA position 2773, C replaced by T.
Protein change: p.Arg925Cys; replaces arginine 925 with cysteine.
Molecular consequence: missense variant.
Genome position (GRCh38, 1-based): chr17:42,693,317, C>T. VCF-style: chr17-42693317-C-T. GRCh37 (hg19) VCF-style: chr17-40845335-C-T.
Other names: c.2773C>T (NM_003632.2); short protein forms R925C.
Identifiers: ClinVar variation 2073123 (VCV002073123.5), dbSNP rs755673095, ClinGen allele CA8582152.
Genomic context (GRCh38, chr17:42,693,317, plus strand): 5'-CCCTGCCTCCATTTCTTGACCTGTTGCCTACCCTTCCCAGGATCTGCAGAGCTTAAGAGA[C>T]GCCCCTTTGTGGGTTGCTTGAGGGCCATGCGTCTGAACGGAGTGACTCTGAACCTGGAGG-3'
Protein context (NP_003623.1, residues 915-935): LYVGSAELKR[Arg925Cys]PFVGCLRAMR

ClinVar aggregate classification (germline): Uncertain significance. Review status: criteria provided, multiple submitters, no conflicts (2 of 4 stars). 2 submissions from 2 submitters: Uncertain significance (2). Last evaluated 2025-08-04.

Conditions:
Inborn genetic diseases. Identifiers: MedGen C0950123, MeSH D030342.

Allele frequency attached by ClinVar (database versions not stated): gnomAD exomes 0.00002; gnomAD 0.00001; TOPMed 0.00002; ExAC 0.00003.
gnomAD v4.1: 30 of 1,614,074 alleles (0.0019%); highest among the groups gnomAD compares: Middle Eastern, 0.049%; no homozygotes.

Submissions (2):

Ambry Genetics
Classification: Uncertain significance for Inborn genetic diseases. Last evaluated: 2025-08-04. Review status: criteria provided, single submitter. Criteria: Ambry Variant Classification Scheme 2023. Collection method: clinical testing. Allele origin: germline.

Labcorp Genetics (formerly Invitae), Labcorp
Classification: Uncertain significance. Last evaluated: 2022-09-07. Review status: criteria provided, single submitter. Criteria: Invitae Variant Classification Sherloc (09022015). Collection method: clinical testing. Allele origin: germline.
Comment: This sequence change replaces arginine, which is basic and polar, with cysteine, which is neutral and slightly polar, at codon 925 of the CNTNAP1 protein (p.Arg925Cys). This variant is present in population databases (rs755673095, gnomAD 0.01%). This variant has not been reported in the literature in individuals affected with CNTNAP1-related conditions. Algorithms developed to predict the effect of missense changes on protein structure and function (SIFT, PolyPhen-2, Align-GVGD) all suggest that this variant is likely to be disruptive. In summary, the available evidence is currently insufficient to determine the role of this variant in disease. Therefore, it has been classified as a Variant of Uncertain Significance.